The following is an entry in ClinVar:

NM_006218.4(PIK3CA):c.1771C>A (p.Pro591Thr)

Gene: PIK3CA (phosphatidylinositol-4,5-bisphosphate 3-kinase catalytic subunit alpha; plus strand). Cytogenetic location: 3q26.32.
Variant type: single nucleotide variant.
Coding change: c.1771C>A on transcript NM_006218.4 (MANE Select); coding-DNA position 1771, C replaced by A.
Protein change: p.Pro591Thr; replaces proline 591 with threonine.
Molecular consequence: missense variant.
Genome position (GRCh38, 1-based): chr3:179,219,595, C>A. VCF-style: chr3-179219595-C-A. GRCh37 (hg19) VCF-style: chr3-178937383-C-A.
Other names: short protein forms P591T.
Identifiers: ClinVar variation 3225338 (VCV003225338.1), dbSNP rs2108410667, ClinGen allele CA355265913.

ClinVar aggregate classification (germline): Uncertain significance (1 of 4 stars; one submission).

Conditions:
Inborn genetic diseases. Identifiers: MedGen C0950123, MeSH D030342.

Submission:

Ambry Genetics
Classification: Uncertain significance for Inborn genetic diseases. Last evaluated: 2023-10-16. Review status: criteria provided, single submitter. Criteria: Ambry Variant Classification Scheme 2023. Collection method: clinical testing. Allele origin: germline.
Comment: The p.P591T variant (also known as c.1771C>A), located in coding exon 11 of the PIK3CA gene, results from a C to A substitution at nucleotide position 1771. The proline at codon 591 is replaced by threonine, an amino acid with highly similar properties. This amino acid position is conserved. In addition, this alteration is predicted to be deleterious by in silico analysis. Since supporting evidence is limited at this time, the clinical significance of this alteration remains unclear.